The following is an entry in ClinVar:

NM_004628.5(XPC):c.2514+6C>T

Gene: XPC (XPC complex subunit, DNA damage recognition and repair factor; minus strand). Cytogenetic location: 3p25.1.
Variant type: single nucleotide variant.
Coding change: c.2514+6C>T on transcript NM_004628.5 (MANE Select); 6 bases into the intron after coding-DNA position 2514, C replaced by T.
Molecular consequence: intron variant.
Genome position (GRCh38, 1-based): chr3:14,147,902, G>A on the plus strand (C>T on the coding strand, the complement: XPC is on the minus strand). VCF-style: chr3-14147902-G-A. GRCh37 (hg19) VCF-style: chr3-14189402-G-A.
Other names: c.2496+6C>T (NM_001354729.2); c.1935+6C>T (NM_001354726.2); c.2268+6C>T (NM_001354730.2); c.2508+6C>T (NM_001354727.2).
Identifiers: ClinVar variation 903309 (VCV000903309.6), dbSNP rs367800362, ClinGen allele CA2267117.

ClinVar aggregate classification (germline): Uncertain significance. Review status: criteria provided, multiple submitters, no conflicts (2 of 4 stars). 3 submissions from 3 submitters: Uncertain significance (3). Last evaluated 2024-09-15.

Conditions:
Xeroderma pigmentosum, group C (XPC). Also called: XPC-Related Xeroderma Pigmentosum; Xeroderma pigmentosum, complementation group C; XERODERMA PIGMENTOSUM III; XP, GROUP C. Identifiers: Orphanet 910, MedGen C2752147, MONDO:0010211, OMIM 278720.

Allele frequency attached by ClinVar (database versions not stated): gnomAD exomes 0.00003 and 0.00007; gnomAD 0.00004; TOPMed 0.00005; ESP Exome Variant Server 0.00008; ExAC 0.00010.
gnomAD v4.1: 50 of 1,593,636 alleles (0.0031%); highest among the groups gnomAD compares: East Asian, 0.009%; no homozygotes.

Submissions (3):

Women's Health and Genetics/Laboratory Corporation of America, LabCorp
Classification: Uncertain significance. Last evaluated: 2024-09-15. Review status: criteria provided, single submitter. Criteria: LabCorp Variant Classification Summary - May 2015. Collection method: clinical testing. Allele origin: germline.

Labcorp Genetics (formerly Invitae), Labcorp
Classification: Uncertain significance. Last evaluated: 2018-08-30. Review status: criteria provided, single submitter. Criteria: Invitae Variant Classification Sherloc (09022015). Collection method: clinical testing. Allele origin: germline.
Comment: This sequence change falls in intron 14 of the XPC gene. It does not directly change the encoded amino acid sequence of the XPC protein, but it affects a nucleotide within the consensus splice site of the intron. This variant is present in population databases (rs367800362, ExAC 0.05%). This variant has not been reported in the literature in individuals with XPC-related disease. Nucleotide substitutions within the consensus splice site are a relatively common cause of aberrant splicing (PMID: 17576681, 9536098). Algorithms developed to predict the effect of sequence changes on RNA splicing suggest that this variant is not likely to affect RNA splicing, but this prediction has not been confirmed by published transcriptional studies. In summary, the available evidence is currently insufficient to determine the role of this variant in disease. Therefore, it has been classified as a Variant of Uncertain Significance.

Illumina Laboratory Services, Illumina
Classification: Uncertain significance for Xeroderma pigmentosum, group C. Last evaluated: 2018-01-13. Review status: criteria provided, single submitter. Criteria: ICSL Variant Classification Criteria 13 December 2019. Collection method: clinical testing. Allele origin: germline.

Literature cited by the submitters: PubMed 17576681 (cited by Labcorp Genetics (formerly Invitae), Labcorp); PubMed 9536098 (cited by Labcorp Genetics (formerly Invitae), Labcorp).